The following is an entry in ClinVar:

ClinVar aggregate classification (germline): Likely benign. Review status: criteria provided, multiple submitters, no conflicts (2 of 4 stars). 2 submissions from 2 submitters: Likely benign (2). Last evaluated 2025-05-30.

Allele frequency attached by ClinVar (database versions not stated): gnomAD exomes 0.00001 and 0.00006; gnomAD 0.00002; TOPMed 0.00003; ExAC 0.00004.

Submissions (2):

Mayo Clinic Laboratories, Mayo Clinic
Classification: Likely benign. Last evaluated: 2025-05-30. Review status: criteria provided, single submitter. Criteria: ACMG Guidelines, 2015. Collection method: clinical testing. Allele origin: germline. Observed: 1 variant allele.
Comment: BP4, BP7

Labcorp Genetics (formerly Invitae), Labcorp
Classification: Likely benign. Last evaluated: 2024-08-02. Review status: criteria provided, single submitter. Criteria: Invitae Variant Classification Sherloc (09022015). Collection method: clinical testing. Allele origin: germline.

NM_001129.5(AEBP1):c.3198G>A (p.Glu1066=)

Gene: AEBP1 (AE binding protein 1; plus strand). Cytogenetic location: 7p13.
Variant type: single nucleotide variant.
Coding change: c.3198G>A on transcript NM_001129.5 (MANE Select); coding-DNA position 3198, G replaced by A.
Protein change: p.Glu1066=; no amino-acid change (glutamic acid 1066 retained).
Molecular consequence: synonymous variant.
Genome position (GRCh38, 1-based): chr7:44,113,982, G>A. VCF-style: chr7-44113982-G-A. GRCh37 (hg19) VCF-style: chr7-44153581-G-A.
Other names: p.Glu1066=.
Identifiers: ClinVar variation 1650930 (VCV001650930.9), dbSNP rs757311147, ClinGen allele CA4238432.